The following is an entry in ClinVar:

ClinVar aggregate classification (germline): Conflicting classifications of pathogenicity. Review status: criteria provided, conflicting classifications (1 of 4 stars). 5 submissions from 5 submitters: Uncertain significance (4); Likely benign (1). Last evaluated 2024-05-06.

Conditions:
Inborn genetic diseases. Identifiers: MedGen C0950123, MeSH D030342.
Focal segmental glomerulosclerosis 5 (FSGS5). Identifiers: Orphanet 656, MedGen C2750475, MONDO:0013191, OMIM 613237.
Charcot-Marie-Tooth disease dominant intermediate E. Also called: CHARCOT-MARIE-TOOTH NEUROPATHY WITH FOCAL SEGMENTAL GLOMERULONEPHRITIS. Identifiers: Orphanet 93114, MedGen C4302667, MONDO:0013758, OMIM 614455.

Allele frequency attached by ClinVar (database versions not stated): ExAC 0.00001; TOPMed 0.00001; gnomAD exomes 0.00002; gnomAD 0.00003.
gnomAD v4.1: 39 of 1,612,896 alleles (0.0024%); highest among the groups gnomAD compares: Middle Eastern, 0.016%; no homozygotes.

Submissions (5):

Labcorp Genetics (formerly Invitae), Labcorp
Classification: Uncertain significance for Charcot-Marie-Tooth disease dominant intermediate E; Focal segmental glomerulosclerosis 5. Last evaluated: 2024-05-06. Review status: criteria provided, single submitter. Criteria: Invitae Variant Classification Sherloc (09022015). Collection method: clinical testing. Allele origin: germline.
Comment: This sequence change falls in intron 10 of the INF2 gene. It does not directly change the encoded amino acid sequence of the INF2 protein. It affects a nucleotide within the consensus splice site. This variant is present in population databases (rs747818846, gnomAD 0.006%). This variant has not been reported in the literature in individuals affected with INF2-related conditions. ClinVar contains an entry for this variant (Variation ID: 1040245). Variants that disrupt the consensus splice site are a relatively common cause of aberrant splicing (PMID: 17576681, 9536098). Algorithms developed to predict the effect of sequence changes on RNA splicing suggest that this variant is not likely to affect RNA splicing. In summary, the available evidence is currently insufficient to determine the role of this variant in disease. Therefore, it has been classified as a Variant of Uncertain Significance.

Blueprint Genetics
Classification: Likely benign. Last evaluated: 2024-01-22. Review status: criteria provided, single submitter. Criteria: ACMG Guidelines, 2015. Collection method: clinical testing. Allele origin: germline.

AiLife Diagnostics
Classification: Uncertain significance. Last evaluated: 2022-02-10. Review status: criteria provided, single submitter. Criteria: ACMG Guidelines, 2015. Collection method: clinical testing. Allele origin: germline. Affected: yes. Observed: 1 variant allele.

Fulgent Genetics
Classification: Uncertain significance for Focal segmental glomerulosclerosis 5; Charcot-Marie-Tooth disease dominant intermediate E. Last evaluated: 2022-02-04. Review status: criteria provided, single submitter. Criteria: ACMG Guidelines, 2015. Collection method: clinical testing. Allele origin: unknown.

Ambry Genetics
Classification: Uncertain significance for Inborn genetic diseases. Last evaluated: 2021-08-02. Review status: criteria provided, single submitter. Criteria: Ambry Variant Classification Scheme 2023. Collection method: clinical testing. Allele origin: germline.
Comment: The c.1949+3G>A intronic variant results from a G to A substitution 3 nucleotides after coding exon 9 in the INF2 gene. This nucleotide position is not well conserved in available vertebrate species. In silico splice site analysis predicts that this alteration will not have any significant effect on splicing. Since supporting evidence is limited at this time, the clinical significance of this alteration remains unclear.

Literature cited by the submitters: PubMed 17576681 (cited by Labcorp Genetics (formerly Invitae), Labcorp); PubMed 9536098 (cited by Labcorp Genetics (formerly Invitae), Labcorp).

NM_022489.4(INF2):c.1949+3G>A

Genes: INF2 (inverted formin 2; plus strand), LOC130056630 (ATAC-STARR-seq lymphoblastoid silent region 6194; plus strand). Cytogenetic location: 14q32.33.
Variant type: single nucleotide variant.
Coding change: c.1949+3G>A on transcript NM_022489.4 (MANE Select); 3 bases into the intron after coding-DNA position 1949, G replaced by A.
Molecular consequence: intron variant.
Genome position (GRCh38, 1-based): chr14:104,708,735, G>A. VCF-style: chr14-104708735-G-A. GRCh37 (hg19) VCF-style: chr14-105175072-G-A.
Other names: c.1949+3G>A (NM_001031714.4).
Identifiers: ClinVar variation 1040245 (VCV001040245.12), dbSNP rs747818846, ClinGen allele CA7372731.